The following is an entry in ClinVar:

NM_001376.5(DYNC1H1):c.1415A>T (p.Gln472Leu)

Gene: DYNC1H1 (dynein cytoplasmic 1 heavy chain 1; plus strand). Cytogenetic location: 14q32.31.
Variant type: single nucleotide variant.
Coding change: c.1415A>T on transcript NM_001376.5 (MANE Select); coding-DNA position 1415, A replaced by T.
Protein change: p.Gln472Leu; replaces glutamine 472 with leucine.
Molecular consequence: missense variant.
Genome position (GRCh38, 1-based): chr14:101,983,563, A>T. VCF-style: chr14-101983563-A-T. GRCh37 (hg19) VCF-style: chr14-102449900-A-T.
Other names: short protein forms Q472L.
Identifiers: ClinVar variation 2078116 (VCV002078116.4), dbSNP rs2503686706, ClinGen allele CA391016081.
Genomic context (GRCh38, chr14:101,983,563, plus strand): 5'-TCAACCCTGCCCACAGGAAGCTGCAGGCCCGCCTTGACCAGATGAGAAAATTTAGACGCC[A>T]GCATGAACAGCTAAGAGCTGTTATCGTCAGGGTCCTGAGGCCACAGGTAAGATTTGCATT-3'
Protein context (NP_001367.2, residues 462-482): RLDQMRKFRR[Gln472Leu]HEQLRAVIVR

ClinVar aggregate classification (germline): Uncertain significance (1 of 4 stars; one submission).

Conditions:
Charcot-Marie-Tooth disease axonal type 2O. Also called: CHARCOT-MARIE-TOOTH NEUROPATHY, AXONAL, TYPE 2O; CHARCOT-MARIE-TOOTH DISEASE, AXONAL, AUTOSOMAL DOMINANT, TYPE 2O; Charcot-Marie-Tooth Neuropathy Type 2O; Charcot-Marie-Tooth disease, axonal, type 20. Identifiers: Orphanet 284232, MedGen C3280220, MONDO:0013644, OMIM 614228.

Submission:

Labcorp Genetics (formerly Invitae), Labcorp
Classification: Uncertain significance for Charcot-Marie-Tooth disease axonal type 2O. Last evaluated: 2022-10-13. Review status: criteria provided, single submitter. Criteria: Invitae Variant Classification Sherloc (09022015). Collection method: clinical testing. Allele origin: germline.
Comment: In summary, the available evidence is currently insufficient to determine the role of this variant in disease. Therefore, it has been classified as a Variant of Uncertain Significance. Advanced modeling of protein sequence and biophysical properties (such as structural, functional, and spatial information, amino acid conservation, physicochemical variation, residue mobility, and thermodynamic stability) performed at Invitae indicates that this missense variant is expected to disrupt DYNC1H1 protein function. This variant has not been reported in the literature in individuals affected with DYNC1H1-related conditions. This variant is not present in population databases (gnomAD no frequency). This sequence change replaces glutamine, which is neutral and polar, with leucine, which is neutral and non-polar, at codon 472 of the DYNC1H1 protein (p.Gln472Leu).